The following is an entry in ClinVar:

NM_014252.4(SLC25A15):c.208_209delinsTT (p.Ala70Leu)

Gene: SLC25A15 (solute carrier family 25 member 15; plus strand). Cytogenetic location: 13q14.11.
Variant type: Indel.
Coding change: c.208_209delinsTT on transcript NM_014252.4 (MANE Select); coding-DNA positions 208 to 209, GC replaced by TT.
Protein change: p.Ala70Leu; replaces alanine 70 with leucine.
Molecular consequence: missense variant. On other transcripts: non-coding transcript variant (2).
Genome position (GRCh38, 1-based): chr13:40,799,209-40,799,210, GC replaced by TT. VCF-style: chr13-40799209-GC-TT. GRCh37 (hg19) VCF-style: chr13-41373345-GC-TT.
Other names: c.208_209delinsTT (NM_014252.3); short protein forms A70L.
Identifiers: ClinVar variation 419157 (VCV000419157.13), dbSNP rs1064793683, ClinGen allele CA16619809.
Genomic context (GRCh38, chr13:40,799,209, plus strand): 5'-TGCTGCCTGAAGACTTACTCCCAGGTGGGCTTCCGTGGCTTCTACAAGGGTACCAGTCCA[GC>TT]ACTAATCGCCAACATCGCTGAGAACTCAGTCCTCTTCATGTGCTACGGCTTCTGCCAGCA-3'
Protein context (NP_055067.1, residues 60-80): FRGFYKGTSP[Ala70Leu]LIANIAENSV

ClinVar aggregate classification (germline): Pathogenic/Likely pathogenic. Review status: criteria provided, multiple submitters, no conflicts (2 of 4 stars). 3 submissions from 3 submitters: Pathogenic (1); Likely pathogenic (2). Last evaluated 2022-03-11.

Conditions:
Hyperornithinemia-hyperammonemia-homocitrullinuria syndrome (HHHS). Also called: Ornithine translocase deficiency; HHH SYNDROME. Identifiers: Orphanet 415, MedGen C0268540, MONDO:0009393, OMIM 238970.

Submissions (3):

Revvity Omics, Revvity
Classification: Likely pathogenic for Hyperornithinemia-hyperammonemia-homocitrullinuria syndrome. Last evaluated: 2022-03-11. Review status: criteria provided, single submitter. Criteria: ACMG Guidelines, 2015. Collection method: clinical testing. Allele origin: germline.

Labcorp Genetics (formerly Invitae), Labcorp
Classification: Likely pathogenic for Hyperornithinemia-hyperammonemia-homocitrullinuria syndrome. Last evaluated: 2019-06-18. Review status: criteria provided, single submitter. Criteria: Invitae Variant Classification Sherloc (09022015). Collection method: clinical testing. Allele origin: germline.
Comment: This variant has been observed in several individuals affected with SLC25A15-related conditions (PMID: 19242930, Invitae). ClinVar contains an entry for this variant (Variation ID: 419157). This variant has been reported to affect SLC25A15 protein function (PMID: 26589310). In summary, the currently available evidence indicates that the variant is pathogenic, but additional data are needed to prove that conclusively. Therefore, this variant has been classified as Likely Pathogenic. This sequence change replaces alanine with leucine at codon 70 of the SLC25A15 protein (p.Ala70Leu). The alanine residue is highly conserved and there is a moderate physicochemical difference between alanine and leucine. This variant is not present in population databases (ExAC no frequency).

GeneDx
Classification: Pathogenic. Last evaluated: 2016-12-19. Review status: criteria provided, single submitter. Criteria: GeneDx Variant Classification (06012015). Collection method: clinical testing. Allele origin: germline. Affected: yes.
Comment: The c.208_209delGCinsTT variant in the SLC25A15 gene has been reported previously in the homozygous state in two unrelated individuals with HHH syndrome (Tessa et al., 2009). The c.208_209delGCinsTT variant results in codon Alanine 70 changing to a Leucine residue, denoted p.Ala70Leu (A70L). The c.208_209delGCinsTT variant was not observed in approximately 6500 individuals of European and African American ancestry in the NHLBI Exome Sequencing Project, indicating it is not a common benign variant in these populations. The c.208_209delGCinsTT variant is a semi-conservative amino acid substitution, which may impact secondary protein structure as these residues differ in some properties. This substitution occurs at a position that is conserved across species. Functional complementation studies in yeast revealed that c.208_209delGCinsTT was unable to complement the deletion of the yeast gene, and therefore has a detrimental effect on SLC25A15 function (Doimo et al., 2016). We interpret c.208_209delGCinsTT as a pathogenic variant.

Literature cited by the submitters: PubMed 19242930 (cited by Labcorp Genetics (formerly Invitae), Labcorp); PubMed 26589310 (cited by Labcorp Genetics (formerly Invitae), Labcorp).